The following is an entry in ClinVar:

NM_014634.4(PPM1F):c.618G>A (p.Ala206=)

Gene: PPM1F (protein phosphatase, Mg2+/Mn2+ dependent 1F; minus strand). Cytogenetic location: 22q11.22.
Variant type: single nucleotide variant.
Coding change: c.618G>A on transcript NM_014634.4 (MANE Select); coding-DNA position 618, G replaced by A.
Protein change: p.Ala206=; no amino-acid change (alanine 206 retained).
Molecular consequence: synonymous variant.
Genome position (GRCh38, 1-based): chr22:21,933,520, C>T on the plus strand (G>A on the coding strand, the complement: PPM1F is on the minus strand). VCF-style: chr22-21933520-C-T. GRCh37 (hg19) VCF-style: chr22-22287892-C-T.
Other names: c.114G>A, p.Ala38= (NM_001410836.1).
Identifiers: ClinVar variation 5001421 (VCV005001421.1).

ClinVar aggregate classification (germline): Likely benign (1 of 4 stars; one submission).

Conditions:
PPM1F-related condition.

gnomAD v4.1: 29 of 1,613,652 alleles (0.0018%); highest among the groups gnomAD compares: Admixed American, 0.005%; no homozygotes.

Submission:

PreventionGenetics, part of Exact Sciences
Classification: Likely benign for PPM1F-related condition. Last evaluated: 2026-07-07. Review status: criteria provided, single submitter. Criteria: ACMG Guidelines, 2015. Collection method: clinical testing. Allele origin: germline.
Comment: This variant is classified as likely benign based on ACMG/AMP sequence variant interpretation guidelines (Richards et al. 2015 PMID: 25741868, with internal and published modifications).